The following is an entry in ClinVar:

NM_020433.5(JPH2):c.1441G>A (p.Glu481Lys)

Gene: JPH2 (junctophilin 2; minus strand). Cytogenetic location: 20q13.12.
Variant type: single nucleotide variant.
Coding change: c.1441G>A on transcript NM_020433.5 (MANE Select); coding-DNA position 1441, G replaced by A.
Protein change: p.Glu481Lys; replaces glutamic acid 481 with lysine.
Molecular consequence: missense variant.
Genome position (GRCh38, 1-based): chr20:44,116,234, C>T on the plus strand (G>A on the coding strand, the complement: JPH2 is on the minus strand). VCF-style: chr20-44116234-C-T. GRCh37 (hg19) VCF-style: chr20-42744874-C-T.
Other names: short protein forms E481K.
Identifiers: ClinVar variation 2586444 (VCV002586444.6), dbSNP rs762695696, ClinGen allele CA9868669.

ClinVar aggregate classification (germline): Uncertain significance. Review status: criteria provided, multiple submitters, no conflicts (2 of 4 stars). 3 submissions from 3 submitters: Uncertain significance (3). Last evaluated 2025-09-22.

Conditions:
JPH2-related disorder. Also called: JPH2-related condition.
Hypertrophic cardiomyopathy. Also called: HYPERTROPHIC MYOCARDIOPATHY. Identifiers: Orphanet 217569, MedGen C0007194, MeSH D002312, MONDO:0005045, HP:0001639.
Cardiovascular phenotype. Identifiers: MedGen CN230736.

Allele frequency attached by ClinVar (database versions not stated): TOPMed 0.00002; gnomAD 0.00003; gnomAD exomes 0.00003.

Submissions (3):

Ambry Genetics
Classification: Uncertain significance for Cardiovascular phenotype. Last evaluated: 2025-09-22. Review status: criteria provided, single submitter. Criteria: Ambry Variant Classification Scheme 2023. Collection method: clinical testing. Allele origin: germline.

PreventionGenetics, part of Exact Sciences
Classification: Uncertain significance for JPH2-related condition. Last evaluated: 2025-09-19. Review status: criteria provided, single submitter. Criteria: ACMG Guidelines, 2015. Collection method: clinical testing. Allele origin: germline.
Comment: The JPH2 c.1441G>A variant is predicted to result in the amino acid substitution p.Glu481Lys. To our knowledge, this variant has not been reported in the literature. This variant is reported in 0.043% of alleles in individuals of South Asian descent in gnomAD. At this time, the clinical significance of this variant is uncertain due to the absence of conclusive functional and genetic evidence.

Labcorp Genetics (formerly Invitae), Labcorp
Classification: Uncertain significance for Hypertrophic cardiomyopathy. Last evaluated: 2025-02-20. Review status: criteria provided, single submitter. Criteria: Invitae Variant Classification Sherloc (09022015). Collection method: clinical testing. Allele origin: germline.
Comment: This sequence change replaces glutamic acid, which is acidic and polar, with lysine, which is basic and polar, at codon 481 of the JPH2 protein (p.Glu481Lys). This variant is present in population databases (rs762695696, gnomAD 0.04%). This variant has not been reported in the literature in individuals affected with JPH2-related conditions. ClinVar contains an entry for this variant (Variation ID: 2586444). An algorithm developed to predict the effect of missense changes on protein structure and function outputs the following: PolyPhen-2: "Benign". The lysine amino acid residue is found in multiple mammalian species, which suggests that this missense change does not adversely affect protein function. In summary, the available evidence is currently insufficient to determine the role of this variant in disease. Therefore, it has been classified as a Variant of Uncertain Significance.